The following is an entry in ClinVar:

ClinVar aggregate classification (germline): Uncertain significance (1 of 4 stars; one submission).

Conditions:
Hemochromatosis type 2A (HFE2A). Also called: Adult-Onset Hemochromatosis; HJV (HFE2)-Related Juvenile Hemochromatosis. Identifiers: Orphanet 79230, MedGen C1865614, MONDO:0011216, OMIM 602390.

Submission:

Labcorp Genetics (formerly Invitae), Labcorp
Classification: Uncertain significance for Hemochromatosis type 2A. Last evaluated: 2017-09-22. Review status: criteria provided, single submitter. Criteria: Invitae Variant Classification Sherloc (09022015). Collection method: clinical testing. Allele origin: germline.
Comment: A gross duplication of the genomic region encompassing the full coding sequence of the HFE2 gene has been identified. The boundaries of this event are unknown as the duplication extends beyond the assayed region for this gene and therefore may encompass additional genes. As the precise location of this duplication is unknown, it may be in tandem or it may be located elsewhere in the genome. This variant has not been reported in the literature in individuals with HFE2-related disease. In summary, the available evidence is currently insufficient to determine the role of this variant in disease. Therefore, it has been classified as a Variant of Uncertain Significance.

NC_000001.10:g.(?_145414776)_(145416941_?)dup

Gene: HJV (hemojuvelin BMP co-receptor; minus strand). Cytogenetic location: 1q21.1.
Variant type: Duplication.
Identifiers: ClinVar variation 536408 (VCV000536408.1).